The following is an entry in ClinVar:

ClinVar aggregate classification (germline): Uncertain significance (1 of 4 stars; one submission).

Conditions:
GLUT1 deficiency syndrome 1, autosomal recessive. Identifiers: MedGen C3149117.

Submission:

Labcorp Genetics (formerly Invitae), Labcorp
Classification: Uncertain significance for GLUT1 deficiency syndrome 1, autosomal recessive. Last evaluated: 2022-08-19. Review status: criteria provided, single submitter. Criteria: Invitae Variant Classification Sherloc (09022015). Collection method: clinical testing. Allele origin: germline.
Comment: This variant has not been reported in the literature in individuals affected with SLC2A1-related conditions. This variant is not present in population databases (gnomAD no frequency). This sequence change replaces leucine, which is neutral and non-polar, with phenylalanine, which is neutral and non-polar, at codon 61 of the SLC2A1 protein (p.Leu61Phe). In summary, the available evidence is currently insufficient to determine the role of this variant in disease. Therefore, it has been classified as a Variant of Uncertain Significance. Algorithms developed to predict the effect of missense changes on protein structure and function are either unavailable or do not agree on the potential impact of this missense change (SIFT: "Tolerated"; PolyPhen-2: "Probably Damaging"; Align-GVGD: "Class C0").

NM_006516.4(SLC2A1):c.181C>T (p.Leu61Phe)

Gene: SLC2A1 (solute carrier family 2 member 1; minus strand). Cytogenetic location: 1p34.2.
Variant type: single nucleotide variant.
Coding change: c.181C>T on transcript NM_006516.4 (MANE Select); coding-DNA position 181, C replaced by T.
Protein change: p.Leu61Phe; replaces leucine 61 with phenylalanine.
Molecular consequence: missense variant.
Genome position (GRCh38, 1-based): chr1:42,931,140, G>A on the plus strand (C>T on the coding strand, the complement: SLC2A1 is on the minus strand). VCF-style: chr1-42931140-G-A. GRCh37 (hg19) VCF-style: chr1-43396811-G-A.
Other names: short protein forms L61F.
Identifiers: ClinVar variation 2135354 (VCV002135354.4), dbSNP rs2524999504, ClinGen allele CA339962185.